The following is an entry in ClinVar:

NM_020433.5(JPH2):c.1436G>T (p.Arg479Leu)

Gene: JPH2 (junctophilin 2; minus strand). Cytogenetic location: 20q13.12.
Variant type: single nucleotide variant.
Coding change: c.1436G>T on transcript NM_020433.5 (MANE Select); coding-DNA position 1436, G replaced by T.
Protein change: p.Arg479Leu; replaces arginine 479 with leucine.
Molecular consequence: missense variant.
Genome position (GRCh38, 1-based): chr20:44,116,239, C>A on the plus strand (G>T on the coding strand, the complement: JPH2 is on the minus strand). VCF-style: chr20-44116239-C-A. GRCh37 (hg19) VCF-style: chr20-42744879-C-A.
Other names: short protein forms R479L.
Identifiers: ClinVar variation 939187 (VCV000939187.12), dbSNP rs1229570054, ClinGen allele CA409100630.

ClinVar aggregate classification (germline): Uncertain significance. Review status: criteria provided, multiple submitters, no conflicts (2 of 4 stars). 4 submissions from 4 submitters: Uncertain significance (4). Last evaluated 2024-11-13.

Conditions:
Hypertrophic cardiomyopathy 17. Identifiers: MedGen C3151264, MONDO:0013474, OMIM 613873.
Cardiomyopathy, dilated, 2E. Identifiers: MedGen C5561970, MONDO:0030366, OMIM 619492.
Cardiovascular phenotype. Identifiers: MedGen CN230736.
Hypertrophic cardiomyopathy. Also called: HYPERTROPHIC MYOCARDIOPATHY. Identifiers: Orphanet 217569, MedGen C0007194, MeSH D002312, MONDO:0005045, HP:0001639.

Allele frequency attached by ClinVar (database versions not stated): gnomAD 0.00001; gnomAD exomes 0.00001; TOPMed 0.00002.
gnomAD v4.1: 4 of 1,461,202 alleles (0.00027%); highest among the groups gnomAD compares: Admixed American, 0.0076%; no homozygotes.

Submissions (4):

Ambry Genetics
Classification: Uncertain significance for Cardiovascular phenotype. Last evaluated: 2024-11-13. Review status: criteria provided, single submitter. Criteria: Ambry Variant Classification Scheme 2023. Collection method: clinical testing. Allele origin: germline.

GeneDx
Classification: Uncertain significance. Last evaluated: 2024-01-30. Review status: criteria provided, single submitter. Criteria: GeneDx Variant Classification Process June 2021. Collection method: clinical testing. Allele origin: germline. Affected: yes.
Comment: Has not been previously published as pathogenic or benign to our knowledge; Not observed at significant frequency in large population cohorts (gnomAD); In silico analysis supports that this missense variant does not alter protein structure/function

Labcorp Genetics (formerly Invitae), Labcorp
Classification: Uncertain significance for Hypertrophic cardiomyopathy. Last evaluated: 2023-03-07. Review status: criteria provided, single submitter. Criteria: Invitae Variant Classification Sherloc (09022015). Collection method: clinical testing. Allele origin: germline.
Comment: This sequence change replaces arginine, which is basic and polar, with leucine, which is neutral and non-polar, at codon 479 of the JPH2 protein (p.Arg479Leu). This variant is not present in population databases (gnomAD no frequency). This variant has not been reported in the literature in individuals affected with JPH2-related conditions. ClinVar contains an entry for this variant (Variation ID: 939187). Algorithms developed to predict the effect of missense changes on protein structure and function output the following: SIFT: "Not Available"; PolyPhen-2: "Benign"; Align-GVGD: "Not Available". The leucine amino acid residue is found in multiple mammalian species, which suggests that this missense change does not adversely affect protein function. In summary, the available evidence is currently insufficient to determine the role of this variant in disease. Therefore, it has been classified as a Variant of Uncertain Significance.

Fulgent Genetics
Classification: Uncertain significance for Hypertrophic cardiomyopathy 17; Cardiomyopathy, dilated, 2E. Last evaluated: 2021-07-02. Review status: criteria provided, single submitter. Criteria: ACMG Guidelines, 2015. Collection method: clinical testing. Allele origin: unknown.